The following is an entry in ClinVar:

NM_000458.4(HNF1B):c.809+6A>G

Genes: HNF1B (HNF1 homeobox B; minus strand), LOC126862549 (BRD4-independent group 4 enhancer GRCh37_chr17:36093401-36094600; plus strand). Cytogenetic location: 17q12.
Variant type: single nucleotide variant.
Coding change: c.809+6A>G on transcript NM_000458.4 (MANE Select); 6 bases into the intron after coding-DNA position 809, A replaced by G.
Molecular consequence: intron variant.
Genome position (GRCh38, 1-based): chr17:37,733,551, T>C on the plus strand (A>G on the coding strand, the complement: HNF1B is on the minus strand). VCF-style: chr17-37733551-T-C. GRCh37 (hg19) VCF-style: chr17-36093544-T-C.
Other names: c.731+6A>G (NM_001304286.2, NM_001165923.4); c.809+6A>G (NM_001411100.1).
Identifiers: ClinVar variation 2919840 (VCV002919840.3), dbSNP rs2511808286, ClinGen allele CA2739267523.
Genomic context (GRCh38, chr17:37,733,551, plus strand): 5'-CCGAGGGGAGGGTTCCTGGGTCTGTGTACTTGCCCACCTGCCCAGGTGAGCTTCTGGTGG[T>C]GTTACCTGTTGCATTCCTCCACTAAGGCCTCTCTCTCTTCCTTGCTGGGGTTCTTTTGCC-3'

ClinVar aggregate classification (germline): Uncertain significance (1 of 4 stars; one submission).

Submission:

Labcorp Genetics (formerly Invitae), Labcorp
Classification: Uncertain significance. Last evaluated: 2023-12-25. Review status: criteria provided, single submitter. Criteria: Invitae Variant Classification Sherloc (09022015). Collection method: clinical testing. Allele origin: germline.
Comment: This sequence change falls in intron 3 of the HNF1B gene. It does not directly change the encoded amino acid sequence of the HNF1B protein. It affects a nucleotide within the consensus splice site. This variant is not present in population databases (gnomAD no frequency). This variant has not been reported in the literature in individuals affected with HNF1B-related conditions. Variants that disrupt the consensus splice site are a relatively common cause of aberrant splicing (PMID: 17576681, 9536098). Algorithms developed to predict the effect of sequence changes on RNA splicing suggest that this variant is not likely to affect RNA splicing. In summary, the available evidence is currently insufficient to determine the role of this variant in disease. Therefore, it has been classified as a Variant of Uncertain Significance.

Literature cited by the submitters: PubMed 17576681; PubMed 9536098.